The following is an entry in ClinVar:

ClinVar aggregate classification (germline): Pathogenic (1 of 4 stars; one submission).

Conditions:
Glycogen storage disease, type II (IOPD). Also called: POMPE DISEASE, INFANTILE-ONSET; GLYCOGEN STORAGE DISEASE II, INFANTILE-ONSET; ACID ALPHA-GLUCOSIDASE DEFICIENCY, INFANTILE-ONSET; GAA DEFICIENCY, INFANTILE-ONSET; ACID MALTASE DEFICIENCY, INFANTILE-ONSET; Glucosidase acid-1,4-alpha deficiency. Identifiers: Orphanet 365, MedGen C0017921, MONDO:0009290, OMIM 232300.

Submission:

Labcorp Genetics (formerly Invitae), Labcorp
Classification: Pathogenic for Glycogen storage disease, type II. Last evaluated: 2022-10-23. Review status: criteria provided, single submitter. Criteria: Invitae Variant Classification Sherloc (09022015). Collection method: clinical testing. Allele origin: germline.
Comment: This variant is a gross deletion of the genomic region encompassing exon(s) 18 of the GAA gene. This variant would be expected to be in-frame, preserving the integrity of the reading frame. A similar copy number variant has been observed in individuals with Pompe disease (PMID: 7945303, 8558570, 15121988, 17723315, 18607768, 19588081, 24844452, 25752415). For these reasons, this variant has been classified as Pathogenic.

Literature cited by the submitters: PubMed 7945303; PubMed 8558570; PubMed 15121988; PubMed 17723315; PubMed 18607768; PubMed 19588081; PubMed 24844452; PubMed 25752415.

NC_000017.10:g.(?_78091972)_(78092176_?)del

Gene: GAA (alpha glucosidase; plus strand). Cytogenetic location: 17q25.3.
Variant type: Deletion.
Identifiers: ClinVar variation 1072074 (VCV001072074.2).